The following is an entry in ClinVar:

ClinVar aggregate classification (germline): Pathogenic (1 of 4 stars; one submission).

Conditions:
Brody myopathy. Also called: BRODY DISEASE. Identifiers: Orphanet 53347, MedGen C1832918, MONDO:0010977, OMIM 601003.

Submission:

Labcorp Genetics (formerly Invitae), Labcorp
Classification: Pathogenic for Brody myopathy. Last evaluated: 2025-01-07. Review status: criteria provided, single submitter. Criteria: Invitae Variant Classification Sherloc (09022015). Collection method: clinical testing. Allele origin: germline.
Comment: This sequence change creates a premature translational stop signal (p.Val363Cysfs*8) in the ATP2A1 gene. It is expected to result in an absent or disrupted protein product. Loss-of-function variants in ATP2A1 are known to be pathogenic (PMID: 8841193, 10914677, 23911890). This variant is not present in population databases (gnomAD no frequency). This variant has not been reported in the literature in individuals affected with ATP2A1-related conditions. For these reasons, this variant has been classified as Pathogenic.

Literature cited by the submitters: PubMed 8841193; PubMed 10914677; PubMed 23911890.

NM_004320.6(ATP2A1):c.1086dup (p.Val363fs)

Gene: ATP2A1 (ATPase sarcoplasmic/endoplasmic reticulum Ca2+ transporting 1; plus strand). Cytogenetic location: 16p11.2.
Variant type: Duplication.
Coding change: c.1086dup on transcript NM_004320.6 (MANE Select); coding-DNA position 1086, one base duplicated (T; older notation c.1086dupT).
Protein change: p.Val363fs; shifts the reading frame from valine 363.
Molecular consequence: frameshift variant.
Genome position (GRCh38, 1-based): chr16:28,888,944, T duplicated. VCF-style (leftmost placement, unchanged base first): chr16-28888943-C-CT. GRCh37 (hg19) VCF-style: chr16-28900264-C-CT.
Other names: c.711dup, p.Val238fs (NM_001286075.2); c.1086dup, p.Val363fs (NM_173201.5); short protein forms V363fs, V238fs.
Identifiers: ClinVar variation 3706250 (VCV003706250.2).